The following is an entry in ClinVar:

NM_005033.3(EXOSC9):c.329dup (p.Arg111fs)

Gene: EXOSC9 (exosome component 9; plus strand). Cytogenetic location: 4q27.
Variant type: Duplication.
Coding change: c.329dup on transcript NM_005033.3 (MANE Select); coding-DNA position 329, one base duplicated (T; older notation c.329dupT).
Protein change: p.Arg111fs; shifts the reading frame from arginine 111.
Molecular consequence: frameshift variant.
Genome position (GRCh38, 1-based): chr4:121,802,962, T duplicated. VCF-style (leftmost placement, unchanged base first): chr4-121802961-C-CT. GRCh37 (hg19) VCF-style: chr4-122724116-C-CT.
Other names: c.329dup, p.Arg111fs (NM_001034194.2); c.329dupT (NM_005033.3); short protein forms R111fs.
Identifiers: ClinVar variation 1691025 (VCV001691025.9), dbSNP rs754121759, ClinGen allele CA3063367.

ClinVar aggregate classification (germline): Conflicting classifications of pathogenicity. Review status: criteria provided, conflicting classifications (1 of 4 stars). 3 submissions from 3 submitters: Pathogenic (1); Likely pathogenic (1); Uncertain significance (1). Last evaluated 2023-12-18.

Allele frequency attached by ClinVar (database versions not stated): gnomAD exomes below 0.00001; ExAC 0.00001; gnomAD 0.00001; TOPMed 0.00002.

Submissions (3):

Labcorp Genetics (formerly Invitae), Labcorp
Classification: Pathogenic. Last evaluated: 2023-12-18. Review status: criteria provided, single submitter. Criteria: Invitae Variant Classification Sherloc (09022015). Collection method: clinical testing. Allele origin: germline.
Comment: This sequence change creates a premature translational stop signal (p.Arg111Lysfs*9) in the EXOSC9 gene. It is expected to result in an absent or disrupted protein product. Loss-of-function variants in EXOSC9 are known to be pathogenic (PMID: 29727687, 33040083). This variant is present in population databases (rs754121759, gnomAD 0.008%). This variant has not been reported in the literature in individuals affected with EXOSC9-related conditions. ClinVar contains an entry for this variant (Variation ID: 1691025). Algorithms developed to predict the effect of sequence changes on RNA splicing suggest that this variant may disrupt the consensus splice site. For these reasons, this variant has been classified as Pathogenic.

GeneDx
Classification: Uncertain significance. Last evaluated: 2022-04-06. Review status: criteria provided, single submitter. Criteria: GeneDx Variant Classification Process June 2021. Collection method: clinical testing. Allele origin: germline. Affected: yes.
Comment: Frameshift variant predicted to result in protein truncation or nonsense mediated decay in a gene for which loss of function is a known mechanism of disease; Has not been previously published as pathogenic or benign to our knowledge

Laboratorio de Genetica e Diagnostico Molecular, Hospital Israelita Albert Einstein
Classification: Likely pathogenic. Last evaluated: 2021-04-12. Review status: criteria provided, single submitter. Criteria: ACMG Guidelines, 2015. Collection method: clinical testing. Allele origin: germline. Affected: yes.
Comment: ACMG classification criteria: PVS1, PM2

Literature cited by the submitters: PubMed 29727687 (cited by Labcorp Genetics (formerly Invitae), Labcorp); PubMed 33040083 (cited by Labcorp Genetics (formerly Invitae), Labcorp).